The following is an entry in ClinVar:

NM_000433.4(NCF2):c.1256A>T (p.Asn419Ile)

Gene: NCF2 (neutrophil cytosolic factor 2; minus strand). Cytogenetic location: 1q25.3.
Variant type: single nucleotide variant.
Coding change: c.1256A>T on transcript NM_000433.4 (MANE Select); coding-DNA position 1256, A replaced by T.
Protein change: p.Asn419Ile; replaces asparagine 419 with isoleucine.
Molecular consequence: missense variant.
Genome position (GRCh38, 1-based): chr1:183,563,229, T>A on the plus strand (A>T on the coding strand, the complement: NCF2 is on the minus strand). VCF-style: chr1-183563229-T-A. GRCh37 (hg19) VCF-style: chr1-183532364-T-A.
Other names: c.1256A>T, p.Asn419Ile (NM_001127651.3); c.1013A>T, p.Asn338Ile (NM_001190789.2); c.1121A>T, p.Asn374Ile (NM_001190794.2); short protein forms N419I, N338I, N374I.
Identifiers: ClinVar variation 281211 (VCV000281211.59), dbSNP rs35012521, ClinGen allele CA1284632.

ClinVar aggregate classification (germline): Benign/Likely benign. Review status: criteria provided, multiple submitters, no conflicts (2 of 4 stars). 13 submissions from 13 submitters: Benign (5); Likely benign (6). 2 of the submissions do not count toward it. Last evaluated 2026-08-01.

Conditions:
NCF2-related disorder. Also called: NCF2-related condition.
Developmental and epileptic encephalopathy, 28 (DEE28). Also called: Epileptic encephalopathy, early infantile, 28. Identifiers: Orphanet 442835, MedGen C4015519, MONDO:0014533, OMIM 616211.
Granulomatous disease, chronic, autosomal recessive, cytochrome b-positive, type 2. Also called: Chronic Granulomatous Disease, Autosomal Recessive, Cytochrome b-Positive, Type II; GRANULOMATOUS DISEASE, CHRONIC, AUTOSOMAL RECESSIVE, 2; Chronic granulomatous disease due to deficiency of NCF-2; CGD, AUTOSOMAL RECESSIVE CYTOCHROME b-POSITIVE, TYPE II; GRANULOMATOUS DISEASE, CHRONIC, DUE TO NCF2 DEFICIENCY. Identifiers: Orphanet 379, MedGen C1856245, MONDO:0009310, OMIM 233710.

Allele frequency attached by ClinVar (database versions not stated): 1000 Genomes Project 30x 0.00406; 1000 Genomes Project 0.00419; gnomAD 0.00520 and 0.00537; ExAC 0.00537; TOPMed 0.00550; gnomAD exomes 0.00552; ESP Exome Variant Server 0.00654.
gnomAD v4.1: 12,817 of 1,614,052 alleles (0.79%); highest among the groups gnomAD compares: South Asian, 1.1%; 78 homozygotes.

Submissions (13):

CeGaT Center for Human Genetics Tuebingen
Classification: Benign. Last evaluated: 2026-08-01. Review status: criteria provided, single submitter. Criteria: CeGaT Center For Human Genetics Tuebingen Variant Classification Criteria Version 2. Collection method: clinical testing. Allele origin: germline. Affected: yes. Observed: 20 variant alleles.
Comment: NCF2: BP4, BS1, BS2

PreventionGenetics, part of Exact Sciences
Classification: Likely benign for NCF2-related condition. Last evaluated: 2026-05-08. Review status: criteria provided, single submitter. Criteria: ACMG Guidelines, 2015. Collection method: clinical testing. Allele origin: germline.
Comment: This variant is classified as likely benign based on ACMG/AMP sequence variant interpretation guidelines (Richards et al. 2015 PMID: 25741868, with internal and published modifications).

Labcorp Genetics (formerly Invitae), Labcorp
Classification: Benign for Granulomatous disease, chronic, autosomal recessive, cytochrome b-positive, type 2. Last evaluated: 2026-02-02. Review status: criteria provided, single submitter. Criteria: Invitae Variant Classification Sherloc (09022015). Collection method: clinical testing. Allele origin: germline.

Women's Health and Genetics/Laboratory Corporation of America, LabCorp
Classification: Likely benign. Last evaluated: 2026-01-29. Review status: criteria provided, single submitter. Criteria: LabCorp Variant Classification Summary - May 2015. Collection method: clinical testing. Allele origin: germline.
Comment: Variant summary: NCF2 c.1256A>T (p.Asn419Ile) results in a non-conservative amino acid change in the encoded protein sequence. Algorithms developed to predict the effect of missense changes on protein structure and function are either unavailable or do not agree on the potential impact of this missense change. The variant allele was found at a frequency of 0.0079 in 1614052 control chromosomes, including 78 homozygotes and found predominantly at a frequency of 0.011 within the South Asian subpopulation in the gnomAD database. The observed variant frequency within South Asian control individuals in the gnomAD database exceeds the estimated maximal expected allele frequency for disease-causing variants in NCF2. c.1256A>T has been observed in individuals with clinical features of chronic granulomatous disease, but without strong evidence suggesting the variant was causal (e.g. El Kares_2006, Dhillon_2014). These reports do not provide unequivocal conclusions about association of the variant with autosomal recessive chronic granulomatous disease. At least one publication reports experimental evidence evaluating an impact on protein function and found the variant resulted in reduced binding to NCF4, however, this does not allow for strong conclusions about the variant effect (Dhillon_2014). The following publications have been ascertained in the context of this evaluation (PMID: 24931457, 16937026). ClinVar contains an entry for this variant (Variation ID: 281211). Based on the evidence outlined above, the variant was classified as likely benign.

Genomic Medicine Center of Excellence, King Faisal Specialist Hospital and Research Centre
Classification: Likely benign. Last evaluated: 2025-08-18. Review status: criteria provided, single submitter. Criteria: ACMG Guidelines, 2015. Collection method: clinical testing. Allele origin: germline.

Fulgent Genetics
Classification: Likely benign for Granulomatous disease, chronic, autosomal recessive, cytochrome b-positive, type 2. Last evaluated: 2021-10-17. Review status: criteria provided, single submitter. Criteria: ACMG Guidelines, 2015. Collection method: clinical testing. Allele origin: unknown.

GeneDx
Classification: Benign. Last evaluated: 2020-03-13. Review status: criteria provided, single submitter. Criteria: GeneDx Variant Classification Process June 2021. Collection method: clinical testing. Allele origin: germline. Affected: yes.
Comment: This variant is associated with the following publications: (PMID: 23821607, 16937026, 27884173, 26764160, 27535533, 29454792, 24931457)

Illumina Laboratory Services, Illumina
Classification: Likely benign for Granulomatous disease, chronic, autosomal recessive, cytochrome b-positive, type 2. Last evaluated: 2017-04-27. Review status: criteria provided, single submitter. Criteria: ICSL Variant Classification Criteria 13 December 2019. Collection method: clinical testing. Allele origin: germline.
Comment: This variant was observed as part of a predisposition screen in an ostensibly healthy population. A literature search was performed for the gene, cDNA change, and amino acid change (where applicable). No publications were found based on this search. Allele frequency data from public databases allowed determination this variant is unlikely to cause disease. Therefore, this variant is classified as likely benign.

Eurofins Ntd Llc (ga)
Classification: Benign. Last evaluated: 2015-08-05. Review status: criteria provided, single submitter. Criteria: EGL Classification Definitions 2015. Collection method: clinical testing. Allele origin: germline. Observed: 1 variant allele, 1 heterozygote.

Breakthrough Genomics
Classification: Likely benign. Review status: criteria provided, single submitter. Criteria: ACMG Guidelines, 2015. Collection method: not provided. Allele origin: germline. Inheritance: Autosomal recessive inheritance. Affected: yes.

Broad Center for Mendelian Genomics, Broad Institute of MIT and Harvard
Classification: Benign for Developmental and epileptic encephalopathy, 28. Review status: criteria provided, single submitter. Criteria: ACMG Guidelines, 2015. Collection method: research. Allele origin: germline. Inheritance: Autosomal recessive inheritance. Affected: yes.
Comment: In summary, this variant meets criteria to be classified as benign for autosomal recessive chronic granulomatous disease.

Diagnostic Laboratory, Department of Genetics, University Medical Center Groningen
Classification: Benign. Review status: no assertion criteria provided. Collection method: clinical testing. Allele origin: germline. Affected: yes. Study: VKGL Data-share Consensus. Not counted in ClinVar's aggregate classification.

Genome Diagnostics Laboratory, University Medical Center Utrecht
Classification: Benign. Review status: no assertion criteria provided. Collection method: clinical testing. Allele origin: germline. Affected: yes. Study: VKGL Data-share Consensus. Not counted in ClinVar's aggregate classification.

Literature cited by the submitters: PubMed 24931457 (cited by Women's Health and Genetics/Laboratory Corporation of America, LabCorp); PubMed 16937026 (cited by Women's Health and Genetics/Laboratory Corporation of America, LabCorp and Broad Center for Mendelian Genomics, Broad Institute of MIT and Harvard); PubMed 23821607 (cited by Broad Center for Mendelian Genomics, Broad Institute of MIT and Harvard).